The following is an entry in ClinVar:

ClinVar aggregate classification (germline): Uncertain significance (1 of 4 stars; one submission).

Submission:

GeneDx
Classification: Uncertain significance. Last evaluated: 2026-04-03. Review status: criteria provided, single submitter. Criteria: GeneDx Variant Classification Process June 2021. Collection method: clinical testing. Allele origin: germline.
Comment: Not observed at significant frequency in large population cohorts (gnomAD); In silico analysis supports that this missense variant has a deleterious effect on protein structure/function; Has not been previously published as pathogenic or benign to our knowledge; This variant is associated with the following publications: (PMID: 25240749)

NM_001854.4(COL11A1):c.3548G>T (p.Gly1183Val)

Gene: COL11A1 (collagen type XI alpha 1 chain; minus strand). Cytogenetic location: 1p21.1.
Variant type: single nucleotide variant.
Coding change: c.3548G>T on transcript NM_001854.4 (MANE Select); coding-DNA position 3548, G replaced by T.
Protein change: p.Gly1183Val; replaces glycine 1183 with valine.
Molecular consequence: missense variant. On other transcripts: non-coding transcript variant (1).
Genome position (GRCh38, 1-based): chr1:102,934,501, C>A on the plus strand (G>T on the coding strand, the complement: COL11A1 is on the minus strand). VCF-style: chr1-102934501-C-A. GRCh37 (hg19) VCF-style: chr1-103400057-C-A.
Other names: c.3431G>T, p.Gly1144Val (NM_001190709.2); c.3584G>T, p.Gly1195Val (NM_080629.3); c.3200G>T, p.Gly1067Val (NM_080630.4); short protein forms G1067V, G1144V, G1183V, G1195V.
Identifiers: ClinVar variation 5017686 (VCV005017686.1).